The following is an entry in ClinVar:

ClinVar aggregate classification (germline): Conflicting classifications of pathogenicity. Review status: criteria provided, conflicting classifications (1 of 4 stars). 3 submissions from 3 submitters: Uncertain significance (2); Likely benign (1). Last evaluated 2026-06-16.

Conditions:
Inborn genetic diseases. Identifiers: MedGen C0950123, MeSH D030342.

Allele frequency attached by ClinVar (database versions not stated): ExAC 0.00002; TOPMed 0.00002; gnomAD 0.00004.
gnomAD v4.1: 20 of 1,612,616 alleles (0.0012%); highest among the groups gnomAD compares: African/African-American, 0.008%; no homozygotes.

Submissions (3):

Women's Health and Genetics/Laboratory Corporation of America, LabCorp
Classification: Uncertain significance. Last evaluated: 2026-06-16. Review status: criteria provided, single submitter. Criteria: LabCorp Variant Classification Summary - May 2015. Collection method: clinical testing. Allele origin: germline.
Comment: Variant summary: CREBBP c.6677C>T (p.Ala2226Val) results in a non-conservative amino acid change in the encoded protein sequence. Algorithms developed to predict the effect of missense changes on protein structure and function are either unavailable or do not agree on the potential impact of this missense change. The variant allele was found at a frequency of 1.2e-05 in 1605664 control chromosomes (gnomAD). This frequency is not significantly higher than estimated for disease-causing variants in CREBBP, allowing no conclusion about variant significance. To our knowledge, no occurrence of c.6677C>T in individuals affected with CREBBP-related conditions and no experimental evidence demonstrating its impact on protein function have been reported. ClinVar contains an entry for this variant (Variation ID: 1754821). Based on the evidence outlined above, the variant was classified as uncertain significance.

Blueprint Genetics
Classification: Likely benign. Last evaluated: 2024-04-26. Review status: criteria provided, single submitter. Criteria: ACMG Guidelines, 2015. Collection method: clinical testing. Allele origin: germline.

Ambry Genetics
Classification: Uncertain significance for Inborn genetic diseases. Last evaluated: 2019-07-11. Review status: criteria provided, single submitter. Criteria: Ambry Variant Classification Scheme 2023. Collection method: clinical testing. Allele origin: germline.
Comment: The p.A2226V variant (also known as c.6677C>T), located in coding exon 31 of the CREBBP gene, results from a C to T substitution at nucleotide position 6677. The alanine at codon 2226 is replaced by valine, an amino acid with similar properties. This amino acid position is well conserved in available vertebrate species. In addition, this alteration is predicted to be tolerated by in silico analysis. Since supporting evidence is limited at this time, the clinical significance of this alteration remains unclear.

NM_004380.3(CREBBP):c.6677C>T (p.Ala2226Val)

Gene: CREBBP (CREB binding lysine acetyltransferase; minus strand). Cytogenetic location: 16p13.3.
Variant type: single nucleotide variant.
Coding change: c.6677C>T on transcript NM_004380.3 (MANE Select); coding-DNA position 6677, C replaced by T.
Protein change: p.Ala2226Val; replaces alanine 2226 with valine.
Molecular consequence: missense variant.
Genome position (GRCh38, 1-based): chr16:3,728,370, G>A on the plus strand (C>T on the coding strand, the complement: CREBBP is on the minus strand). VCF-style: chr16-3728370-G-A. GRCh37 (hg19) VCF-style: chr16-3778371-G-A.
Other names: c.6563C>T, p.Ala2188Val (NM_001079846.1); short protein forms A2188V, A2226V.
Identifiers: ClinVar variation 1754821 (VCV001754821.4), dbSNP rs754601626, ClinGen allele CA7869030.